The following is an entry in ClinVar:

ClinVar aggregate classification (germline): Conflicting classifications of pathogenicity. Review status: criteria provided, conflicting classifications (1 of 4 stars). 2 submissions from 2 submitters: Uncertain significance (1); Likely benign (1). Last evaluated 2025-12-15.

gnomAD v4.1: 15 of 1,614,182 alleles (0.00093%); highest among the groups gnomAD compares: African/African-American, 0.016%; no homozygotes.

Submissions (2):

Ambry Genetics
Classification: Likely benign. Last evaluated: 2025-12-15. Review status: criteria provided, single submitter. Criteria: Ambry Variant Classification Scheme 2023. Collection method: clinical testing. Allele origin: germline.

Labcorp Genetics (formerly Invitae), Labcorp
Classification: Uncertain significance. Last evaluated: 2025-01-30. Review status: criteria provided, single submitter. Criteria: Invitae Variant Classification Sherloc (09022015). Collection method: clinical testing. Allele origin: germline.
Comment: This sequence change replaces arginine, which is basic and polar, with lysine, which is basic and polar, at codon 124 of the ACOX2 protein (p.Arg124Lys). This variant is present in population databases (rs538417562, gnomAD 0.02%). This variant has not been reported in the literature in individuals affected with ACOX2-related conditions. Invitae Evidence Modeling of protein sequence and biophysical properties (such as structural, functional, and spatial information, amino acid conservation, physicochemical variation, residue mobility, and thermodynamic stability) indicates that this missense variant is not expected to disrupt ACOX2 protein function with a negative predictive value of 80%. In summary, the available evidence is currently insufficient to determine the role of this variant in disease. Therefore, it has been classified as a Variant of Uncertain Significance.

NM_003500.4(ACOX2):c.371G>A (p.Arg124Lys)

Gene: ACOX2 (acyl-CoA oxidase 2; minus strand). Cytogenetic location: 3p14.3.
Variant type: single nucleotide variant.
Coding change: c.371G>A on transcript NM_003500.4 (MANE Select); coding-DNA position 371, G replaced by A.
Protein change: p.Arg124Lys; replaces arginine 124 with lysine.
Molecular consequence: missense variant.
Genome position (GRCh38, 1-based): chr3:58,534,098, C>T on the plus strand (G>A on the coding strand, the complement: ACOX2 is on the minus strand). VCF-style: chr3-58534098-C-T. GRCh37 (hg19) VCF-style: chr3-58519825-C-T.
Other names: c.371G>A (NM_003500.3); short protein forms R124K.
Identifiers: ClinVar variation 4692817 (VCV004692817.2).